The following is an entry in ClinVar:

ClinVar aggregate classification (germline): Uncertain significance. Review status: criteria provided, single submitter (1 of 4 stars). 3 submissions from 3 submitters: Uncertain significance (1). 2 of the submissions do not count toward it. Last evaluated 2025-11-04.

gnomAD v4.1: 12 of 1,609,006 alleles (0.00075%); highest among the groups gnomAD compares: Middle Eastern, 0.034%; no homozygotes.

Submissions (3):

Labcorp Genetics (formerly Invitae), Labcorp
Classification: Uncertain significance. Last evaluated: 2025-11-04. Review status: criteria provided, single submitter. Criteria: Invitae Variant Classification Sherloc (09022015). Collection method: clinical testing. Allele origin: germline.
Comment: This sequence change falls in intron 35 of the C3 gene. It does not directly change the encoded amino acid sequence of the C3 protein. It affects a nucleotide within the consensus splice site. This variant is present in population databases (no rsID available, gnomAD 0.0009%). This variant has not been reported in the literature in individuals affected with C3-related conditions. ClinVar contains an entry for this variant (Variation ID: 1299800). Variants that disrupt the consensus splice site are a relatively common cause of aberrant splicing (PMID: 17576681, 9536098). Algorithms developed to predict the effect of sequence changes on RNA splicing suggest that this variant is not likely to affect RNA splicing. In summary, the available evidence is currently insufficient to determine the role of this variant in disease. Therefore, it has been classified as a Variant of Uncertain Significance.

Clinical Genetics DNA and cytogenetics Diagnostics Lab, Erasmus MC, Erasmus Medical Center
Classification: Likely benign. Review status: no assertion criteria provided. Collection method: clinical testing. Allele origin: germline. Affected: yes. Study: VKGL Data-share Consensus. Not counted in ClinVar's aggregate classification.

Genome Diagnostics Laboratory, University Medical Center Utrecht
Classification: Likely benign. Review status: no assertion criteria provided. Collection method: clinical testing. Allele origin: germline. Affected: yes. Study: VKGL Data-share Consensus. Not counted in ClinVar's aggregate classification.

Literature cited by the submitters: PubMed 17576681 (cited by Labcorp Genetics (formerly Invitae), Labcorp); PubMed 9536098 (cited by Labcorp Genetics (formerly Invitae), Labcorp).

NM_000064.4(C3):c.4350+6G>C

Gene: C3 (complement C3; minus strand). Cytogenetic location: 19p13.3.
Variant type: single nucleotide variant.
Coding change: c.4350+6G>C on transcript NM_000064.4 (MANE Select); 6 bases into the intron after coding-DNA position 4350, G replaced by C.
Molecular consequence: intron variant.
Genome position (GRCh38, 1-based): chr19:6,681,935, C>G on the plus strand (G>C on the coding strand, the complement: C3 is on the minus strand). VCF-style: chr19-6681935-C-G. GRCh37 (hg19) VCF-style: chr19-6681946-C-G.
Identifiers: ClinVar variation 1299800 (VCV001299800.6), dbSNP rs369993135, ClinGen allele CA631722186.
Genomic context (GRCh38, chr19:6,681,935, plus strand): 5'-AAGACCAGCCAGATAGAGGTCAGGGTGCCCCTGGAAGCCTCCCAGGGGAGGATGATGCAG[C>G]CTTACCTTGTCCAGGTAGATGATGAGGGTGTTCCTATCGGAGAAGGCTTTGTCCAGCTCA-3'